The following is an entry in ClinVar:

NM_020921.4(NIN):c.820G>A (p.Asp274Asn)

Gene: NIN (ninein; minus strand). Cytogenetic location: 14q22.1.
Variant type: single nucleotide variant.
Coding change: c.820G>A on transcript NM_020921.4 (MANE Select); coding-DNA position 820, G replaced by A.
Protein change: p.Asp274Asn; replaces aspartic acid 274 with asparagine.
Molecular consequence: missense variant.
Genome position (GRCh38, 1-based): chr14:50,772,462, C>T on the plus strand (G>A on the coding strand, the complement: NIN is on the minus strand). VCF-style: chr14-50772462-C-T. GRCh37 (hg19) VCF-style: chr14-51239180-C-T.
Other names: c.820G>A (NM_020921.3); c.820G>A, p.Asp274Asn (NM_016350.5, NM_182944.3, NM_182946.2); short protein forms D274N.
Identifiers: ClinVar variation 2184942 (VCV002184942.5), dbSNP rs752155088, ClinGen allele CA7182346.

ClinVar aggregate classification (germline): Uncertain significance. Review status: criteria provided, multiple submitters, no conflicts (2 of 4 stars). 2 submissions from 2 submitters: Uncertain significance (2). Last evaluated 2026-01-12.

Allele frequency attached by ClinVar (database versions not stated): gnomAD 0.00001; gnomAD exomes 0.00001; ExAC 0.00003; TOPMed 0.00005.
gnomAD v4.1: 23 of 1,613,886 alleles (0.0014%); highest among the groups gnomAD compares: Middle Eastern, 0.016%; no homozygotes.

Submissions (2):

Labcorp Genetics (formerly Invitae), Labcorp
Classification: Uncertain significance. Last evaluated: 2026-01-12. Review status: criteria provided, single submitter. Criteria: Invitae Variant Classification Sherloc (09022015). Collection method: clinical testing. Allele origin: germline.
Comment: This sequence change replaces aspartic acid, which is acidic and polar, with asparagine, which is neutral and polar, at codon 274 of the NIN protein (p.Asp274Asn). This variant is present in population databases (rs752155088, gnomAD 0.02%). This variant has not been reported in the literature in individuals affected with NIN-related conditions. ClinVar contains an entry for this variant (Variation ID: 2184942). An algorithm developed to predict the effect of missense changes on protein structure and function (PolyPhen-2) suggests that this variant is likely to be disruptive. In summary, the available evidence is currently insufficient to determine the role of this variant in disease. Therefore, it has been classified as a Variant of Uncertain Significance.

Ambry Genetics
Classification: Uncertain significance. Last evaluated: 2023-12-15. Review status: criteria provided, single submitter. Criteria: Ambry Variant Classification Scheme 2023. Collection method: clinical testing. Allele origin: germline.